The following is an entry in ClinVar:

ClinVar aggregate classification (germline): Uncertain significance (1 of 4 stars; one submission).

Conditions:
Epidermolysis bullosa simplex with nail dystrophy (EBS5D). Identifiers: MedGen C4225309, MONDO:0014661, OMIM 616487.
Epidermolysis bullosa simplex, Ogna type (EBS5A). Also called: Pidermolysis bullosa simplex 5A, Ogna type; EPIDERMOLYSIS BULLOSA SIMPLEX 5A, OGNA TYPE. Identifiers: Orphanet 79401, MedGen C0432317, MONDO:0007555, OMIM 131950.
Autosomal recessive limb-girdle muscular dystrophy type 2Q (LGMDR17). Also called: MUSCULAR DYSTROPHY, LIMB-GIRDLE, AUTOSOMAL RECESSIVE 17. Identifiers: Orphanet 254361, MedGen C3150989, MONDO:0013390, OMIM 613723.
Epidermolysis bullosa simplex 5B, with muscular dystrophy (EBS5B). Also called: EPIDERMOLYSIS BULLOSA SIMPLEX AND LIMB-GIRDLE MUSCULAR DYSTROPHY; Epidermolysis bullosa simplex with muscular dystrophy. Identifiers: Orphanet 257, MedGen C2931072, MONDO:0009181, OMIM 226670.
Epidermolysis bullosa simplex 5C, with pyloric atresia (EBS5C). Also called: PLEC-Related Epidermolysis Bullosa with Pyloric Atresia; Epidermolysis bullosa simplex with pyloric atresia; PLEC1-Related Epidermolysis Bullosa with Pyloric Atresia. Identifiers: Orphanet 158684, MedGen C2677349, MONDO:0012807, OMIM 612138.

gnomAD v4.1: 4 of 1,590,032 alleles (0.00025%); highest among the groups gnomAD compares: Middle Eastern, 0.017%; no homozygotes.

Submission:

Labcorp Genetics (formerly Invitae), Labcorp
Classification: Uncertain significance for Autosomal recessive limb-girdle muscular dystrophy type 2Q; Epidermolysis bullosa simplex, Ogna type; Epidermolysis bullosa simplex with nail dystrophy; Epidermolysis bullosa simplex 5C, with pyloric atresia; Epidermolysis bullosa simplex 5B, with muscular dystrophy. Last evaluated: 2024-04-05. Review status: criteria provided, single submitter. Criteria: Invitae Variant Classification Sherloc (09022015). Collection method: clinical testing. Allele origin: germline.
Comment: This sequence change replaces arginine, which is basic and polar, with serine, which is neutral and polar, at codon 1536 of the PLEC protein (p.Arg1536Ser). This variant is not present in population databases (gnomAD no frequency). This variant has not been reported in the literature in individuals affected with PLEC-related conditions. Advanced modeling of protein sequence and biophysical properties (such as structural, functional, and spatial information, amino acid conservation, physicochemical variation, residue mobility, and thermodynamic stability) performed at Invitae indicates that this missense variant is not expected to disrupt PLEC protein function with a negative predictive value of 80%. In summary, the available evidence is currently insufficient to determine the role of this variant in disease. Therefore, it has been classified as a Variant of Uncertain Significance.

NM_201384.3(PLEC):c.4525C>A (p.Arg1509Ser)

Gene: PLEC (plectin; minus strand). Cytogenetic location: 8q24.3.
Variant type: single nucleotide variant.
Coding change: c.4525C>A on transcript NM_201384.3 (MANE Select); coding-DNA position 4525, C replaced by A.
Protein change: p.Arg1509Ser; replaces arginine 1509 with serine.
Molecular consequence: missense variant. On other transcripts: intron variant (1).
Genome position (GRCh38, 1-based): chr8:143,925,404, G>T on the plus strand (C>A on the coding strand, the complement: PLEC is on the minus strand). VCF-style: chr8-143925404-G-T. GRCh37 (hg19) VCF-style: chr8-144999572-G-T.
Other names: c.4606C>A, p.Arg1536Ser (NM_000445.5); c.4483C>A, p.Arg1495Ser (NM_201378.4); c.4459C>A, p.Arg1487Ser (NM_201379.3); c.4936C>A, p.Arg1646Ser (NM_201380.4); c.4429C>A, p.Arg1477Ser (NM_201381.3); c.4525C>A, p.Arg1509Ser (NM_201382.4); c.4537C>A, p.Arg1513Ser (NM_201383.3); c.4125+1380C>A (NM_001410941.1); short protein forms R1477S, R1487S, R1495S, R1509S, R1513S, R1536S, R1646S.
Identifiers: ClinVar variation 3755712 (VCV003755712.2).